The following is an entry in ClinVar:

ClinVar aggregate classification (germline): Uncertain significance (1 of 4 stars; one submission).

Submission:

GeneDx
Classification: Uncertain significance. Last evaluated: 2024-10-06. Review status: criteria provided, single submitter. Criteria: GeneDx Variant Classification Process June 2021. Collection method: clinical testing. Allele origin: germline. Affected: yes.
Comment: Not observed at significant frequency in large population cohorts (gnomAD); In silico analysis supports that this missense variant has a deleterious effect on protein structure/function; Has not been previously published as pathogenic or benign to our knowledge

NM_000168.6(GLI3):c.4430C>A (p.Ser1477Tyr)

Gene: GLI3 (GLI family zinc finger 3; minus strand). Cytogenetic location: 7p14.1.
Variant type: single nucleotide variant.
Coding change: c.4430C>A on transcript NM_000168.6 (MANE Select); coding-DNA position 4430, C replaced by A.
Protein change: p.Ser1477Tyr; replaces serine 1477 with tyrosine.
Molecular consequence: missense variant.
Genome position (GRCh38, 1-based): chr7:41,964,643, G>T on the plus strand (C>A on the coding strand, the complement: GLI3 is on the minus strand). VCF-style: chr7-41964643-G-T. GRCh37 (hg19) VCF-style: chr7-42004241-G-T.
Other names: short protein forms S1477Y.
Identifiers: ClinVar variation 3777569 (VCV003777569.1).